The following is an entry in ClinVar:

ClinVar aggregate classification (germline): Pathogenic (1 of 4 stars; one submission).

Conditions:
Familial hemophagocytic lymphohistiocytosis 3 (FHL3). Also called: UNC13D-Related Familial Hemophagocytic Lymphohistiocytosis (UNC13D-fHLH). Identifiers: Orphanet 540, MedGen C1837174, MONDO:0012146, OMIM 608898.

Submission:

Labcorp Genetics (formerly Invitae), Labcorp
Classification: Pathogenic for Familial hemophagocytic lymphohistiocytosis 3. Last evaluated: 2023-09-29. Review status: criteria provided, single submitter. Criteria: Invitae Variant Classification Sherloc (09022015). Collection method: clinical testing. Allele origin: germline.
Comment: For these reasons, this variant has been classified as Pathogenic. This variant has not been reported in the literature in individuals affected with UNC13D-related conditions. This variant is not present in population databases (gnomAD no frequency). This sequence change creates a premature translational stop signal (p.Gly770Alafs*25) in the UNC13D gene. It is expected to result in an absent or disrupted protein product. Loss-of-function variants in UNC13D are known to be pathogenic (PMID: 14622600).

Literature cited by the submitters: PubMed 14622600.

NM_199242.3(UNC13D):c.2309del (p.Gly770fs)

Gene: UNC13D (unc-13 homolog D; minus strand). Cytogenetic location: 17q25.1.
Variant type: Deletion.
Coding change: c.2309del on transcript NM_199242.3 (MANE Select); coding-DNA position 2309, one base deleted (G; older notation c.2309delG).
Protein change: p.Gly770fs; shifts the reading frame from glycine 770.
Molecular consequence: frameshift variant.
Genome position (GRCh38, 1-based): chr17:75,834,133, C deleted on the plus strand (G on the coding strand, the reverse complement: UNC13D is on the minus strand); the first of 3 consecutive C bases (chr17:75,834,133-75,834,135); deleting any one gives the same sequence. VCF-style (leftmost placement, unchanged base first): chr17-75834132-GC-G. GRCh37 (hg19) VCF-style: chr17-73830213-GC-G.
Other names: short protein forms G770fs.
Identifiers: ClinVar variation 2764160 (VCV002764160.3), dbSNP rs2545979720, ClinGen allele CA2697555181.
Genomic context (GRCh38, chr17:75,834,132, plus strand): 5'-TACATCCTCAGGCAGGACAGACTCCCTGACGCCCACCAGTTTCTGGATGTGCTTGGCGAT[GC>G]CCACCTCCAACTGGAGACACAAAACGGAAGAAGGAGGGAGGTCAGGGCATGAGTCGGGGA-3'